The following is an entry in ClinVar:

ClinVar aggregate classification (germline): Uncertain significance (1 of 4 stars; one submission).

Submission:

Ambry Genetics
Classification: Uncertain significance. Last evaluated: 2025-07-28. Review status: criteria provided, single submitter. Criteria: Ambry Variant Classification Scheme 2023. Collection method: clinical testing. Allele origin: germline.
Comment: The p.L468V variant (also known as c.1402C>G), located in coding exon 2 of the CDK12 gene, results from a C to G substitution at nucleotide position 1402. The leucine at codon 468 is replaced by valine, an amino acid with highly similar properties. This amino acid position is conserved. In addition, this alteration is predicted to be tolerated by in silico analysis. Based on the available evidence, the clinical significance of this variant remains unclear.

NM_016507.4(CDK12):c.1402C>G (p.Leu468Val)

Gene: CDK12 (cyclin dependent kinase 12; plus strand). Cytogenetic location: 17q12.
Variant type: single nucleotide variant.
Coding change: c.1402C>G on transcript NM_016507.4 (MANE Select); coding-DNA position 1402, C replaced by G.
Protein change: p.Leu468Val; replaces leucine 468 with valine.
Molecular consequence: missense variant.
Genome position (GRCh38, 1-based): chr17:39,471,234, C>G. VCF-style: chr17-39471234-C-G. GRCh37 (hg19) VCF-style: chr17-37627487-C-G.
Other names: c.1402C>G, p.Leu468Val (NM_015083.4); short protein forms L468V.
Identifiers: ClinVar variation 4224315 (VCV004224315.1).